The following is an entry in ClinVar:

NM_000088.4(COL1A1):c.2608C>T (p.Pro870Ser)

Gene: COL1A1 (collagen type I alpha 1 chain; minus strand). Cytogenetic location: 17q21.33.
Variant type: single nucleotide variant.
Coding change: c.2608C>T on transcript NM_000088.4 (MANE Select); coding-DNA position 2608, C replaced by T.
Protein change: p.Pro870Ser; replaces proline 870 with serine.
Molecular consequence: missense variant.
Genome position (GRCh38, 1-based): chr17:50,189,864, G>A on the plus strand (C>T on the coding strand, the complement: COL1A1 is on the minus strand). VCF-style: chr17-50189864-G-A. GRCh37 (hg19) VCF-style: chr17-48267225-G-A.
Other names: short protein forms P870S.
Identifiers: ClinVar variation 1702173 (VCV001702173.6), dbSNP rs771918127, ClinGen allele CA8644744.

ClinVar aggregate classification (germline): Conflicting classifications of pathogenicity. Review status: criteria provided, conflicting classifications (1 of 4 stars). 3 submissions from 3 submitters: Uncertain significance (2); Benign (1). Last evaluated 2026-04-30.

Conditions:
Cardiovascular phenotype. Identifiers: MedGen CN230736.
Ehlers-Danlos syndrome (EDS). Identifiers: Orphanet 98249, MedGen C0013720, MONDO:0020066.
Osteogenesis imperfecta type I (OI1). Also called: OI, TYPE I; OSTEOGENESIS IMPERFECTA TARDA; OSTEOGENESIS IMPERFECTA WITH BLUE SCLERAE; Osteogenesis imperfecta type 1; Classic Non-deforming Osteogenesis Imperfecta with Blue Sclerae; Lobstein's Disease. Identifiers: Orphanet 216796, Orphanet 666, MedGen C0023931, MONDO:0008146, OMIM 166200. Disease mechanism: loss of function.

Allele frequency attached by ClinVar (database versions not stated): ExAC 0.00005.
gnomAD v4.1: 24 of 1,607,500 alleles (0.0015%); highest among the groups gnomAD compares: Middle Eastern, 0.23%; no homozygotes.

Submissions (3):

Ambry Genetics
Classification: Uncertain significance for Cardiovascular phenotype. Last evaluated: 2026-04-30. Review status: criteria provided, single submitter. Criteria: Ambry Variant Classification Scheme 2023. Collection method: clinical testing. Allele origin: germline.
Comment: The p.P870S variant (also known as c.2608C>T), located in coding exon 37 of the COL1A1 gene, results from a C to T substitution at nucleotide position 2608. The proline at codon 870 is replaced by serine, an amino acid with similar properties. This amino acid position is conserved. In addition, the in silico prediction for this alteration is inconclusive. Based on the available evidence, the clinical significance of this variant remains unclear.

Labcorp Genetics (formerly Invitae), Labcorp
Classification: Benign for Osteogenesis imperfecta type I. Last evaluated: 2025-09-15. Review status: criteria provided, single submitter. Criteria: Invitae Variant Classification Sherloc (09022015). Collection method: clinical testing. Allele origin: germline.

Genome Diagnostics Laboratory, The Hospital for Sick Children
Classification: Uncertain significance for Ehlers-Danlos syndrome. Last evaluated: 2020-11-24. Review status: criteria provided, single submitter. Criteria: ACMG Guidelines, 2015. Collection method: clinical testing. Allele origin: germline.